The following is an entry in ClinVar:

NM_001376.5(DYNC1H1):c.3121A>C (p.Met1041Leu)

Gene: DYNC1H1 (dynein cytoplasmic 1 heavy chain 1; plus strand). Cytogenetic location: 14q32.31.
Variant type: single nucleotide variant.
Coding change: c.3121A>C on transcript NM_001376.5 (MANE Select); coding-DNA position 3121, A replaced by C.
Protein change: p.Met1041Leu; replaces methionine 1041 with leucine.
Molecular consequence: missense variant.
Genome position (GRCh38, 1-based): chr14:101,994,289, A>C. VCF-style: chr14-101994289-A-C. GRCh37 (hg19) VCF-style: chr14-102460626-A-C.
Other names: c.3121A>C (NM_001376.4); short protein forms M1041L.
Identifiers: ClinVar variation 1467552 (VCV001467552.7), dbSNP rs867890249, ClinGen allele CA391032442.
Genomic context (GRCh38, chr14:101,994,289, plus strand): 5'-AATGCTTTAACACGGATGCCTGATGGCCCTGTTGCCCTGGAAGAGTCGTATTCTGCTGTC[A>C]TGGGCATTGTATCTGAAGTTGAACAGTATGTCAAGGTAAGAAACTCCTAATTTCATTCAA-3'
Protein context (NP_001367.2, residues 1031-1051): VALEESYSAV[Met1041Leu]GIVSEVEQYV

ClinVar aggregate classification (germline): Uncertain significance. Review status: criteria provided, multiple submitters, no conflicts (2 of 4 stars). 2 submissions from 2 submitters: Uncertain significance (2). Last evaluated 2024-02-06.

Conditions:
Charcot-Marie-Tooth disease axonal type 2O. Also called: Charcot-Marie-Tooth Neuropathy Type 2O; CHARCOT-MARIE-TOOTH NEUROPATHY, AXONAL, TYPE 2O; CHARCOT-MARIE-TOOTH DISEASE, AXONAL, AUTOSOMAL DOMINANT, TYPE 2O; Charcot-Marie-Tooth disease, axonal, type 20. Identifiers: Orphanet 284232, MedGen C3280220, MONDO:0013644, OMIM 614228.

Allele frequency attached by ClinVar (database versions not stated): gnomAD exomes below 0.00001.

Submissions (2):

GeneDx
Classification: Uncertain significance. Last evaluated: 2024-02-06. Review status: criteria provided, single submitter. Criteria: GeneDx Variant Classification Process June 2021. Collection method: clinical testing. Allele origin: germline. Affected: yes.
Comment: In silico analysis supports that this missense variant does not alter protein structure/function; Has not been previously published as pathogenic or benign to our knowledge; This variant is associated with the following publications: (PMID: 26100331, 25512093, 25609763)

Labcorp Genetics (formerly Invitae), Labcorp
Classification: Uncertain significance for Charcot-Marie-Tooth disease axonal type 2O. Last evaluated: 2021-09-03. Review status: criteria provided, single submitter. Criteria: Invitae Variant Classification Sherloc (09022015). Collection method: clinical testing. Allele origin: germline.
Comment: This variant is not present in population databases (ExAC no frequency). This sequence change replaces methionine with leucine at codon 1041 of the DYNC1H1 protein (p.Met1041Leu). The methionine residue is moderately conserved and there is a small physicochemical difference between methionine and leucine. This variant has not been reported in the literature in individuals affected with DYNC1H1-related conditions. Advanced modeling of protein sequence and biophysical properties (such as structural, functional, and spatial information, amino acid conservation, physicochemical variation, residue mobility, and thermodynamic stability) performed at Invitae indicates that this missense variant is not expected to disrupt DYNC1H1 protein function. In summary, the available evidence is currently insufficient to determine the role of this variant in disease. Therefore, it has been classified as a Variant of Uncertain Significance.